The following is an entry in ClinVar:

ClinVar aggregate classification (germline): Pathogenic (1 of 4 stars; one submission).

Conditions:
Renal carnitine transport defect (CDSP). Also called: Systemic primary carnitine deficiency disease; CARNITINE DEFICIENCY, SYSTEMIC, DUE TO DEFECT IN RENAL REABSORPTION OF CARNITINE; CARNITINE TRANSPORTER, PLASMA-MEMBRANE, DEFICIENCY OF; CARNITINE UPTAKE DEFECT; Systemic primary carnitine deficiency; Carnitine transporter deficiency. Identifiers: Orphanet 158, MedGen C0342788, MONDO:0008919, OMIM 212140.

Allele frequency attached by ClinVar (database versions not stated): TOPMed below 0.00001.

Submission:

Labcorp Genetics (formerly Invitae), Labcorp
Classification: Pathogenic for Renal carnitine transport defect. Last evaluated: 2025-05-27. Review status: criteria provided, single submitter. Criteria: Invitae Variant Classification Sherloc (09022015). Collection method: clinical testing. Allele origin: germline.
Comment: This variant, c.1392_1409del, results in the deletion of 6 amino acid(s) of the SLC22A5 protein (p.Val465_Ser470del), but otherwise preserves the integrity of the reading frame. This variant is not present in population databases (gnomAD no frequency). This variant has not been reported in the literature in individuals affected with SLC22A5-related conditions. ClinVar contains an entry for this variant (Variation ID: 2043699). This variant disrupts a region of the SLC22A5 protein in which other variant(s) (p.Ser467Cys) have been determined to be pathogenic (PMID: 10545605, 20074989, 20574985, 21922592, 23090741). This suggests that this is a clinically significant region of the protein, and that variants that disrupt it are likely to be disease-causing. For these reasons, this variant has been classified as Pathogenic.

Literature cited by the submitters: PubMed 10545605; PubMed 20074989; PubMed 20574985; PubMed 21922592; PubMed 23090741.

NM_003060.4(SLC22A5):c.1392_1409del (p.Val465_Ser470del)

Gene: SLC22A5 (solute carrier family 22 member 5; plus strand). Cytogenetic location: 5q31.1.
Variant type: Deletion.
Coding change: c.1392_1409del on transcript NM_003060.4 (MANE Select); coding-DNA positions 1392 to 1409, 18 bases deleted (AGTCAGCTCCACAGCATC).
Protein change: p.Val465_Ser470del.
Molecular consequence: inframe deletion.
Genome position (GRCh38, 1-based): chr5:132,392,557-132,392,574, AGTCAGCTCCACAGCATC deleted. VCF-style (leftmost placement, unchanged base first): chr5-132392556-GAGTCAGCTCCACAGCATC-G. GRCh37 (hg19) VCF-style: chr5-131728248-GAGTCAGCTCCACAGCATC-G.
Other names: c.1464_1481del, p.Val489_Ser494del (NM_001308122.2).
Identifiers: ClinVar variation 2043699 (VCV002043699.4), dbSNP rs1752740319, ClinGen allele CA1583143595.
Genomic context (GRCh38, chr5:132,392,556, plus strand): 5'-CCATGGTCTACGTGTACACAGCCGAGCTGTATCCCACAGTGGTGAGAAACATGGGTGTGG[GAGTCAGCTCCACAGCATC>G]CCGCCTGGGCAGCATCCTGTCTCCCTACTTCGTTTACCTTGGTAAGTCCCATGAGCCAAG-3'